The following is an entry in ClinVar:

NM_004064.5(CDKN1B):c.75G>A (p.Lys25=)

Gene: CDKN1B (cyclin dependent kinase inhibitor 1B; plus strand). Cytogenetic location: 12p13.1.
Variant type: single nucleotide variant.
Coding change: c.75G>A on transcript NM_004064.5 (MANE Select); coding-DNA position 75, G replaced by A.
Protein change: p.Lys25=; no amino-acid change (lysine 25 retained).
Molecular consequence: synonymous variant.
Genome position (GRCh38, 1-based): chr12:12,717,914, G>A. VCF-style: chr12-12717914-G-A. GRCh37 (hg19) VCF-style: chr12-12870848-G-A.
Identifiers: ClinVar variation 412891 (VCV000412891.60), dbSNP rs367611328, ClinGen allele CA6457373.

ClinVar aggregate classification (germline): Likely benign. Review status: criteria provided, multiple submitters, no conflicts (2 of 4 stars). 6 submissions from 6 submitters: Likely benign (5). 1 of the submissions does not count toward it. Last evaluated 2026-01-28.

Conditions:
CDKN1B-related disorder. Also called: CDKN1B-related condition.
Hereditary cancer-predisposing syndrome. Also called: Tumor predisposition; Hereditary neoplastic syndrome; Hereditary Cancer Syndrome; Neoplastic Syndromes, Hereditary. Identifiers: Orphanet 140162, MedGen C0027672, MeSH D009386, MONDO:0015356.
Multiple endocrine neoplasia type 4. Also called: MULTIPLE ENDOCRINE NEOPLASIA, TYPE IV. Identifiers: Orphanet 276152, MedGen C1970712, MONDO:0012552, OMIM 610755.

Allele frequency attached by ClinVar (database versions not stated): ExAC 0.00009; gnomAD 0.00009; TOPMed 0.00010; gnomAD exomes 0.00011 and 0.00014; ESP Exome Variant Server 0.00015.
gnomAD v4.1: 222 of 1,614,088 alleles (0.014%); highest among the groups gnomAD compares: Non-Finnish European, 0.017%; no homozygotes.

Submissions (6):

Labcorp Genetics (formerly Invitae), Labcorp
Classification: Likely benign for Multiple endocrine neoplasia type 4. Last evaluated: 2026-01-28. Review status: criteria provided, single submitter. Criteria: Invitae Variant Classification Sherloc (09022015). Collection method: clinical testing. Allele origin: germline.

Quest Diagnostics Nichols Institute San Juan Capistrano
Classification: Likely benign. Last evaluated: 2025-08-22. Review status: criteria provided, single submitter. Criteria: Quest Diagnostics criteria. Collection method: clinical testing. Allele origin: unknown.

Blueprint Genetics
Classification: Likely benign. Last evaluated: 2024-10-24. Review status: criteria provided, single submitter. Criteria: ACMG Guidelines, 2015. Collection method: clinical testing. Allele origin: germline.

CeGaT Center for Human Genetics Tuebingen
Classification: Likely benign. Last evaluated: 2024-06-01. Review status: criteria provided, single submitter. Criteria: CeGaT Center For Human Genetics Tuebingen Variant Classification Criteria Version 2. Collection method: clinical testing. Allele origin: germline. Affected: yes. Observed: 3 variant alleles.
Comment: CDKN1B: BP4, BP7

Ambry Genetics
Classification: Likely benign for Hereditary cancer-predisposing syndrome. Last evaluated: 2017-03-10. Review status: criteria provided, single submitter. Criteria: Ambry Variant Classification Scheme 2023. Collection method: clinical testing. Allele origin: germline.

PreventionGenetics, part of Exact Sciences
Classification: Likely benign for CDKN1B-related condition. Last evaluated: 2020-10-15. Review status: no assertion criteria provided. Collection method: clinical testing. Allele origin: germline. Not counted in ClinVar's aggregate classification.
Comment: This variant is classified as likely benign based on ACMG/AMP sequence variant interpretation guidelines (Richards et al. 2015 PMID: 25741868, with internal and published modifications).